The following is an entry in ClinVar:

NM_001018115.3(FANCD2):c.1400C>T (p.Thr467Met)

Genes: FANCD2 (FA complementation group D2; plus strand), LOC107303338 (3p25 FANCD2 Alu-mediated recombination region; plus strand). Cytogenetic location: 3p25.3.
Variant type: single nucleotide variant.
Coding change: c.1400C>T on transcript NM_001018115.3 (MANE Select); coding-DNA position 1400, C replaced by T.
Protein change: p.Thr467Met; replaces threonine 467 with methionine.
Molecular consequence: missense variant.
Genome position (GRCh38, 1-based): chr3:10,048,038, C>T. VCF-style: chr3-10048038-C-T. GRCh37 (hg19) VCF-style: chr3-10089722-C-T.
Other names: c.1400C>T, p.Thr467Met (NM_001319984.2, NM_001374253.1, NM_001374254.1 and 1 more transcripts); c.1400C>T (NM_033084.4); short protein forms T467M.
Identifiers: ClinVar variation 342266 (VCV000342266.57), dbSNP rs760246372, ClinGen allele CA2249629.

ClinVar aggregate classification (germline): Uncertain significance. Review status: criteria provided, multiple submitters, no conflicts (2 of 4 stars). 5 submissions from 5 submitters: Uncertain significance (5). Last evaluated 2024-06-17.

Conditions:
Fanconi anemia complementation group D2. Also called: FANCD2-Related Fanconi Anemia; FANCONI PANCYTOPENIA, TYPE 4; FANCONI ANEMIA, COMPLEMENTATION GROUP D. Identifiers: Orphanet 84, MedGen C3160738, MONDO:0009214, OMIM 227646.
Inborn genetic diseases. Identifiers: MedGen C0950123, MeSH D030342.
Fanconi anemia (FA). Also called: Fanconi's anemia. Identifiers: Orphanet 84, MedGen C0015625, MeSH D005199, MONDO:0019391.

Allele frequency attached by ClinVar (database versions not stated): ExAC 0.00001; gnomAD 0.00001; gnomAD exomes 0.00002 and 0.00003.

Submissions (5):

Fulgent Genetics
Classification: Uncertain significance for Fanconi anemia complementation group D2. Last evaluated: 2024-06-17. Review status: criteria provided, single submitter. Criteria: ACMG Guidelines, 2015. Collection method: clinical testing. Allele origin: germline.

Ambry Genetics
Classification: Uncertain significance for Inborn genetic diseases. Last evaluated: 2024-05-30. Review status: criteria provided, single submitter. Criteria: Ambry Variant Classification Scheme 2023. Collection method: clinical testing. Allele origin: germline.

Labcorp Genetics (formerly Invitae), Labcorp
Classification: Uncertain significance for Fanconi anemia. Last evaluated: 2022-08-23. Review status: criteria provided, single submitter. Criteria: Invitae Variant Classification Sherloc (09022015). Collection method: clinical testing. Allele origin: germline.
Comment: The frequency data for this variant in the population databases is considered unreliable, as metrics indicate poor data quality at this position in the gnomAD database. This variant has not been reported in the literature in individuals affected with FANCD2-related conditions. ClinVar contains an entry for this variant (Variation ID: 342266). Algorithms developed to predict the effect of missense changes on protein structure and function are either unavailable or do not agree on the potential impact of this missense change (SIFT: "Deleterious"; PolyPhen-2: "Benign"; Align-GVGD: "Class C0"). In summary, the available evidence is currently insufficient to determine the role of this variant in disease. Therefore, it has been classified as a Variant of Uncertain Significance. This sequence change replaces threonine, which is neutral and polar, with methionine, which is neutral and non-polar, at codon 467 of the FANCD2 protein (p.Thr467Met).

Illumina Laboratory Services, Illumina
Classification: Uncertain significance for Fanconi anemia complementation group D2. Last evaluated: 2018-01-13. Review status: criteria provided, single submitter. Criteria: ICSL Variant Classification Criteria 13 December 2019. Collection method: clinical testing. Allele origin: germline.

CeGaT Center for Human Genetics Tuebingen
Classification: Uncertain significance. Last evaluated: 2017-03-01. Review status: criteria provided, single submitter. Criteria: CeGaT Center For Human Genetics Tuebingen Variant Classification Criteria Version 2. Collection method: clinical testing. Allele origin: germline. Affected: yes. Observed: 1 variant allele.